The following is an entry in ClinVar:

ClinVar aggregate classification (germline): Likely benign. Review status: criteria provided, multiple submitters, no conflicts (2 of 4 stars). 5 submissions from 5 submitters: Likely benign (5). Last evaluated 2026-09-03.

Conditions:
MUTYH-related disorder. Also called: MUTYH-related condition; MUTYH-related disorders.
Hereditary cancer-predisposing syndrome. Also called: Neoplastic Syndromes, Hereditary; Hereditary neoplastic syndrome; Hereditary Cancer Syndrome; Tumor predisposition. Identifiers: Orphanet 140162, MedGen C0027672, MeSH D009386, MONDO:0015356.
Familial adenomatous polyposis 2. Also called: MYH-associated polyposis; FAP type 2; COLORECTAL ADENOMATOUS POLYPOSIS, AUTOSOMAL RECESSIVE; ADENOMAS, MULTIPLE COLORECTAL, AUTOSOMAL RECESSIVE; MUTYH-related attenuated familial adenomatous polyposis; MUTYH Polyposis. Identifiers: Orphanet 220460, Orphanet 247798, MedGen C3272841, MONDO:0012041, OMIM 608456.

Submissions (5):

PreventionGenetics, part of Exact Sciences
Classification: Likely benign for MUTYH-related condition. Last evaluated: 2026-09-03. Review status: criteria provided, single submitter. Criteria: ACMG Guidelines, 2015. Collection method: clinical testing. Allele origin: germline.
Comment: This variant is classified as likely benign based on ACMG/AMP sequence variant interpretation guidelines (Richards et al. 2015 PMID: 25741868, with internal and published modifications).

Labcorp Genetics (formerly Invitae), Labcorp
Classification: Likely benign for Familial adenomatous polyposis 2. Last evaluated: 2025-12-14. Review status: criteria provided, single submitter. Criteria: Invitae Variant Classification Sherloc (09022015). Collection method: clinical testing. Allele origin: germline.

Women's Health and Genetics/Laboratory Corporation of America, LabCorp
Classification: Likely benign. Last evaluated: 2021-05-22. Review status: criteria provided, single submitter. Criteria: LabCorp Variant Classification Summary - May 2015. Collection method: clinical testing. Allele origin: germline.

Color Diagnostics, LLC DBA Color Health
Classification: Likely benign for Hereditary cancer-predisposing syndrome. Last evaluated: 2018-11-29. Review status: criteria provided, single submitter. Criteria: ACMG Guidelines, 2015. Collection method: clinical testing. Allele origin: germline.

Ambry Genetics
Classification: Likely benign for Hereditary cancer-predisposing syndrome. Last evaluated: 2018-07-16. Review status: criteria provided, single submitter. Criteria: Ambry Variant Classification Scheme 2023. Collection method: clinical testing. Allele origin: germline.

NM_001048174.2(MUTYH):c.1002C>T (p.Ala334=)

Gene: MUTYH (mutY DNA glycosylase; minus strand). Cytogenetic location: 1p34.1.
Variant type: single nucleotide variant.
Coding change: c.1002C>T on transcript NM_001048174.2 (MANE Select); coding-DNA position 1002, C replaced by T.
Protein change: p.Ala334=; no amino-acid change (alanine 334 retained).
Molecular consequence: synonymous variant. On other transcripts: non-coding transcript variant (2).
Genome position (GRCh38, 1-based): chr1:45,331,761, G>A on the plus strand (C>T on the coding strand, the complement: MUTYH is on the minus strand). VCF-style: chr1-45331761-G-A. GRCh37 (hg19) VCF-style: chr1-45797433-G-A.
Other names: c.1002C>T, p.Ala334= (NM_001048171.2, NM_001048173.2, NM_001293195.2); c.1005C>T, p.Ala335= (NM_001048172.2); c.1086C>T, p.Ala362= (NM_001128425.2); c.1047C>T, p.Ala349= (NM_001293190.2); c.1035C>T, p.Ala345= (NM_001293191.2); c.726C>T, p.Ala242= (NM_001293192.2, NM_001293196.2); c.657C>T, p.Ala219= (NM_001350650.2, NM_001350651.2); c.1077C>T, p.Ala359= (NM_012222.3).
Identifiers: ClinVar variation 238332 (VCV000238332.20), dbSNP rs878854182, ClinGen allele CA10581805.
Genomic context (GRCh38, chr1:45,331,761, plus strand): 5'-GGCCCCAGGCTGTTCCAGAACACAGGTGGCAGAGCTCTCCTCCCTGGGGGGCTTGCGGCT[G>A]GCCTTTCTGGGGAAGTTGACCACTCCCAGGGTCTGGTCCCAGGGCTCCGAGGGAGGCAGG-3'
Protein context (NP_001041639.1, residues 324-344): TLGVVNFPRK[Ala334=]SRKPPREESS